The following is an entry in ClinVar:

NM_001378454.1(ALMS1):c.539_542dup (p.Asp181fs)

Gene: ALMS1 (ALMS1 centrosome and basal body associated protein; plus strand). Cytogenetic location: 2p13.1.
Variant type: Duplication.
Coding change: c.539_542dup on transcript NM_001378454.1 (MANE Select); coding-DNA positions 539 to 542, 4 bases duplicated (AAGA; older notation c.539_542dupAAGA).
Protein change: p.Asp181fs; shifts the reading frame from aspartic acid 181.
Molecular consequence: frameshift variant.
Genome position (GRCh38, 1-based): chr2:73,419,211-73,419,214, AAGA duplicated. VCF-style (leftmost placement, unchanged base first): chr2-73419210-G-GAAGA. GRCh37 (hg19) VCF-style: chr2-73646338-G-GAAGA.
Other names: c.542_545dup, p.Asp182fs (NM_015120.4); short protein forms D181fs, D182fs.
Identifiers: ClinVar variation 2026227 (VCV002026227.4), dbSNP rs2466036345, ClinGen allele CA2580067872.
Genomic context (GRCh38, chr2:73,419,210, plus strand): 5'-CAAGAAATGGACTCTTCCCAAACCTTGGATACATCCCAGACTAGGTTTAATGTGAGAACG[G>GAAGA]AAGATACTGAAGTGACAGACTTCCCCTCTCTGGAGGAGGGCATATTGACGCAATCAGAAA-3'

ClinVar aggregate classification (germline): Pathogenic (1 of 4 stars; one submission).

Conditions:
Alstrom syndrome (ALMS). Identifiers: Orphanet 64, MedGen C0268425, MONDO:0008763, OMIM 203800.

Submission:

Labcorp Genetics (formerly Invitae), Labcorp
Classification: Pathogenic for Alstrom syndrome. Last evaluated: 2024-08-22. Review status: criteria provided, single submitter. Criteria: Invitae Variant Classification Sherloc (09022015). Collection method: clinical testing. Allele origin: germline.
Comment: This sequence change creates a premature translational stop signal (p.Asp182Glufs*4) in the ALMS1 gene. It is expected to result in an absent or disrupted protein product. Loss-of-function variants in ALMS1 are known to be pathogenic (PMID: 17594715). This variant is not present in population databases (gnomAD no frequency). This variant has not been reported in the literature in individuals affected with ALMS1-related conditions. ClinVar contains an entry for this variant (Variation ID: 2026227). For these reasons, this variant has been classified as Pathogenic.

Literature cited by the submitters: PubMed 17594715.